The following is an entry in ClinVar:

ClinVar aggregate classification (germline): Benign. Review status: criteria provided, multiple submitters, no conflicts (2 of 4 stars). 5 submissions from 5 submitters: Benign (4). 1 of the submissions does not count toward it. Last evaluated 2026-02-01.

Conditions:
WNK4-related disorder. Also called: WNK4-related condition.
Pseudohypoaldosteronism type 2B (PHA2B). Also called: Pseudohypoaldosteronism Type IIB. Identifiers: Orphanet 757, Orphanet 88939, MedGen C1840390, MONDO:0013777, OMIM 614491.

Allele frequency attached by ClinVar (database versions not stated): gnomAD exomes 0.00510; ExAC 0.00610; gnomAD 0.02047 and 0.02196; 1000 Genomes Project 0.02177; ESP Exome Variant Server 0.02221; 1000 Genomes Project 30x 0.02342; TOPMed 0.02359.
gnomAD v4.1: 6,209 of 1,609,844 alleles (0.39%); highest among the groups gnomAD compares: African/African-American, 7.1%; 204 homozygotes.

Submissions (5):

Labcorp Genetics (formerly Invitae), Labcorp
Classification: Benign. Last evaluated: 2026-02-01. Review status: criteria provided, single submitter. Criteria: Invitae Variant Classification Sherloc (09022015). Collection method: clinical testing. Allele origin: germline.

Mayo Clinic Laboratories, Mayo Clinic
Classification: Benign. Last evaluated: 2023-04-10. Review status: criteria provided, single submitter. Criteria: ACMG Guidelines, 2015. Collection method: clinical testing. Allele origin: germline. Observed: 7 variant alleles.

Illumina Laboratory Services, Illumina
Classification: Benign for Pseudohypoaldosteronism type 2B. Last evaluated: 2018-01-13. Review status: criteria provided, single submitter. Criteria: ICSL Variant Classification Criteria 13 December 2019. Collection method: clinical testing. Allele origin: germline.
Comment: This variant was observed in the ICSL laboratory as part of a predisposition screen in an ostensibly healthy population. It had not been previously curated by ICSL or reported in the Human Gene Mutation Database (HGMD: prior to June 1st, 2018), and was therefore a candidate for classification through an automated scoring system. Utilizing variant allele frequency, disease prevalence and penetrance estimates, and inheritance mode, an automated score was calculated to assess if this variant is too frequent to cause the disease. Based on the score and internal cut-off values, a variant classified as benign is not then subjected to further curation. The score for this variant resulted in a classification of benign for this disease.

Breakthrough Genomics
Classification: Benign. Review status: criteria provided, single submitter. Criteria: ACMG Guidelines, 2015. Collection method: not provided. Allele origin: germline. Inheritance: Autosomal dominant inheritance. Affected: yes.

PreventionGenetics, part of Exact Sciences
Classification: Benign for WNK4-related condition. Last evaluated: 2019-11-26. Review status: no assertion criteria provided. Collection method: clinical testing. Allele origin: germline. Not counted in ClinVar's aggregate classification.
Comment: This variant is classified as benign based on ACMG/AMP sequence variant interpretation guidelines (Richards et al. 2015 PMID: 25741868, with internal and published modifications).

NM_032387.5(WNK4):c.239C>A (p.Ala80Asp)

Gene: WNK4 (WNK lysine deficient protein kinase 4; plus strand). Cytogenetic location: 17q21.2.
Variant type: single nucleotide variant.
Coding change: c.239C>A on transcript NM_032387.5 (MANE Select); coding-DNA position 239, C replaced by A.
Protein change: p.Ala80Asp; replaces alanine 80 with aspartic acid.
Molecular consequence: missense variant. On other transcripts: 5 prime UTR variant (1).
Genome position (GRCh38, 1-based): chr17:42,780,937, C>A. VCF-style: chr17-42780937-C-A. GRCh37 (hg19) VCF-style: chr17-40932955-C-A.
Other names: p.Ala80Asp; c.-681C>A (NM_001321299.2); short protein forms A80D.
Identifiers: ClinVar variation 323312 (VCV000323312.17), dbSNP rs61754326, ClinGen allele CA8583644.